The following is an entry in ClinVar:

ClinVar aggregate classification (germline): Uncertain significance (1 of 4 stars; one submission).

Submission:

Labcorp Genetics (formerly Invitae), Labcorp
Classification: Uncertain significance. Last evaluated: 2020-10-16. Review status: criteria provided, single submitter. Criteria: Invitae Variant Classification Sherloc (09022015). Collection method: clinical testing. Allele origin: germline.
Comment: In summary, the available evidence is currently insufficient to determine the role of this variant in disease. Therefore, it has been classified as a Variant of Uncertain Significance. Algorithms developed to predict the effect of missense changes on protein structure and function are either unavailable or do not agree on the potential impact of this missense change (SIFT: "Deleterious"; PolyPhen-2: "Benign"; Align-GVGD: "Class C0"). This variant has not been reported in the literature in individuals with CTNNA1-related conditions. This variant is not present in population databases (ExAC no frequency). This sequence change replaces lysine with threonine at codon 370 of the CTNNA1 protein (p.Lys370Thr). The lysine residue is highly conserved and there is a moderate physicochemical difference between lysine and threonine.

NM_001903.5(CTNNA1):c.1109A>C (p.Lys370Thr)

Gene: CTNNA1 (catenin alpha 1; plus strand). Cytogenetic location: 5q31.2.
Variant type: single nucleotide variant.
Coding change: c.1109A>C on transcript NM_001903.5 (MANE Select); coding-DNA position 1109, A replaced by C.
Protein change: p.Lys370Thr; replaces lysine 370 with threonine.
Molecular consequence: missense variant. On other transcripts: 5 prime UTR variant (26), intron variant (2).
Genome position (GRCh38, 1-based): chr5:138,886,258, A>C. VCF-style: chr5-138886258-A-C. GRCh37 (hg19) VCF-style: chr5-138221947-A-C.
Other names: c.1109A>C, p.Lys370Thr (NM_001290307.3, NM_001323982.2, NM_001323983.1 and 3 more transcripts); c.800A>C, p.Lys267Thr (NM_001290309.3); c.740A>C, p.Lys247Thr (NM_001290310.3); c.-2A>C (NM_001290312.1, NM_001323987.1, NM_001323988.1 and 18 more transcripts); c.-399A>C (NM_001324006.1, NM_001324007.1, NM_001324008.1 and 1 more transcripts); c.-274A>C (NM_001324013.1); c.-58+10661A>C (NM_001324012.1); c.-61+10661A>C (NM_001324010.1); short protein forms K247T, K370T, K267T.
Identifiers: ClinVar variation 1038501 (VCV001038501.9), dbSNP rs1753999575, ClinGen allele CA361132570.
Genomic context (GRCh38, chr5:138,886,258, plus strand): 5'-TTCCTTTTATCCAGGCTGGACGTAAAGAAAGAAGTGATGCACTCAATTCTGCAATAGATA[A>C]AATGACCAAGAAGACCAGGGACTTGCGTAGACAGGTAATCTGGATGAAAGTGCTGATTGT-3'
Protein context (NP_001894.2, residues 360-380): RSDALNSAID[Lys370Thr]MTKKTRDLRR